The following is an entry in ClinVar:

NM_020631.4(PLEKHG5):c.-28820G>A

Genes: PLEKHG5 (pleckstrin homology and RhoGEF domain containing G5; minus strand), LOC120851202 (Sharpr-MPRA regulatory region 5048; plus strand). Cytogenetic location: 1p36.31.
Variant type: single nucleotide variant.
Coding change: c.-28820G>A on transcript NM_020631.4; 28820 bases upstream of the start codon, G replaced by A.
Genome position (GRCh38, 1-based): chr1:6,520,369, C>T on the plus strand (G>A on the coding strand, the complement: PLEKHG5 is on the minus strand). VCF-style: chr1-6520369-C-T. GRCh37 (hg19) VCF-style: chr1-6580429-C-T.
Identifiers: ClinVar variation 667556 (VCV000667556.3), dbSNP rs11122043, ClinGen allele CA10830902.

ClinVar aggregate classification (germline): Benign (1 of 4 stars; one submission).

Allele frequency attached by ClinVar (database versions not stated): gnomAD 0.77259 and 0.76622; 1000 Genomes Project 30x 0.73423; TOPMed 0.75754; 1000 Genomes Project 0.73522.

Submission:

GeneDx
Classification: Benign. Last evaluated: 2018-06-18. Review status: criteria provided, single submitter. Criteria: GeneDx Variant Classification (06012015). Collection method: clinical testing. Allele origin: germline. Affected: yes.
Comment: This variant is considered likely benign or benign based on one or more of the following criteria: it is a conservative change, it occurs at a poorly conserved position in the protein, it is predicted to be benign by multiple in silico algorithms, and/or has population frequency not consistent with disease.